The following is an entry in ClinVar:

ClinVar aggregate classification (germline): Uncertain significance (1 of 4 stars; one submission).

gnomAD v4.1: 1 of 1,614,000 alleles (0.000062%); highest among the groups gnomAD compares: Non-Finnish European, 0.000085%; no homozygotes.

Submission:

Labcorp Genetics (formerly Invitae), Labcorp
Classification: Uncertain significance. Last evaluated: 2022-07-03. Review status: criteria provided, single submitter. Criteria: Invitae Variant Classification Sherloc (09022015). Collection method: clinical testing. Allele origin: germline.
Comment: In summary, the available evidence is currently insufficient to determine the role of this variant in disease. Therefore, it has been classified as a Variant of Uncertain Significance. Algorithms developed to predict the effect of missense changes on protein structure and function are either unavailable or do not agree on the potential impact of this missense change (SIFT: "Deleterious"; PolyPhen-2: "Possibly Damaging"; Align-GVGD: "Class C0"). This variant has not been reported in the literature in individuals affected with POLE-related conditions. This variant is not present in population databases (gnomAD no frequency). This sequence change replaces cysteine, which is neutral and slightly polar, with phenylalanine, which is neutral and non-polar, at codon 1788 of the POLE protein (p.Cys1788Phe).

NM_006231.4(POLE):c.5363G>T (p.Cys1788Phe)

Gene: POLE (DNA polymerase epsilon, catalytic subunit; minus strand). Cytogenetic location: 12q24.33.
Variant type: single nucleotide variant.
Coding change: c.5363G>T on transcript NM_006231.4 (MANE Select); coding-DNA position 5363, G replaced by T.
Protein change: p.Cys1788Phe; replaces cysteine 1788 with phenylalanine.
Molecular consequence: missense variant.
Genome position (GRCh38, 1-based): chr12:132,641,662, C>A on the plus strand (G>T on the coding strand, the complement: POLE is on the minus strand). VCF-style: chr12-132641662-C-A. GRCh37 (hg19) VCF-style: chr12-133218248-C-A.
Other names: short protein forms C1788F.
Identifiers: ClinVar variation 2013489 (VCV002013489.4), dbSNP rs1565935614, ClinGen allele CA387375718.
Genomic context (GRCh38, chr12:132,641,662, plus strand): 5'-TAAGACCCTTCTATTAGTAACACTCCTTCCCAGAGAGGGTGGCACCTGAAGGTGTTAGAG[C>A]ACAGGGCTGTCTCATCGTAGCTGGCCGGGGCACTGGCAGCCTGACCACCCGTGATCATGT-3'
Protein context (NP_006222.2, residues 1778-1798): APASYDETAL[Cys1788Phe]SNTFRILKSM